The following is an entry in ClinVar:

ClinVar aggregate classification (germline): Likely benign. Review status: criteria provided, multiple submitters, no conflicts (2 of 4 stars). 3 submissions from 3 submitters: Likely benign (3). Last evaluated 2025-12-24.

Conditions:
Catecholaminergic polymorphic ventricular tachycardia 1. Also called: VENTRICULAR TACHYCARDIA, CATECHOLAMINERGIC POLYMORPHIC, 1, WITH OR WITHOUT ATRIAL DYSFUNCTION AND/OR DILATED CARDIOMYOPATHY; RYR2-Related Catecholaminergic Polymorphic Ventricular Tachycardia; VENTRICULAR TACHYCARDIA, STRESS-INDUCED POLYMORPHIC 1. Identifiers: Orphanet 3286, MedGen C1631597, MONDO:0011484, OMIM 604772.
TRDN-related disorder. Also called: TRDN-related condition.
Cardiovascular phenotype. Identifiers: MedGen CN230736.

Allele frequency attached by ClinVar (database versions not stated): gnomAD exomes 0.00001; gnomAD 0.00002; ESP Exome Variant Server 0.00009.
gnomAD v4.1: 23 of 1,577,308 alleles (0.0015%); highest among the groups gnomAD compares: Non-Finnish European, 0.0019%; no homozygotes.

Submissions (3):

Labcorp Genetics (formerly Invitae), Labcorp
Classification: Likely benign for Catecholaminergic polymorphic ventricular tachycardia 1. Last evaluated: 2025-12-24. Review status: criteria provided, single submitter. Criteria: Invitae Variant Classification Sherloc (09022015). Collection method: clinical testing. Allele origin: germline.

PreventionGenetics, part of Exact Sciences
Classification: Likely benign for TRDN-related condition. Last evaluated: 2025-09-26. Review status: criteria provided, single submitter. Criteria: ACMG Guidelines, 2015. Collection method: clinical testing. Allele origin: germline.
Comment: This variant is classified as likely benign based on ACMG/AMP sequence variant interpretation guidelines (Richards et al. 2015 PMID: 25741868, with internal and published modifications).

Ambry Genetics
Classification: Likely benign for Cardiovascular phenotype. Last evaluated: 2023-08-11. Review status: criteria provided, single submitter. Criteria: Ambry Variant Classification Scheme 2023. Collection method: clinical testing. Allele origin: germline.

NM_006073.4(TRDN):c.1776A>C (p.Ile592=)

Gene: TRDN (triadin; minus strand). Cytogenetic location: 6q22.31.
Variant type: single nucleotide variant.
Coding change: c.1776A>C on transcript NM_006073.4 (MANE Select); coding-DNA position 1776, A replaced by C.
Protein change: p.Ile592=; no amino-acid change (isoleucine 592 retained).
Molecular consequence: synonymous variant.
Genome position (GRCh38, 1-based): chr6:123,267,714, T>G on the plus strand (A>C on the coding strand, the complement: TRDN is on the minus strand). VCF-style: chr6-123267714-T-G. GRCh37 (hg19) VCF-style: chr6-123588859-T-G.
Other names: c.1776A>C (NM_006073.2, NM_006073.3).
Identifiers: ClinVar variation 1079855 (VCV001079855.12), dbSNP rs367716265, ClinGen allele CA147230336.
Genomic context (GRCh38, chr6:123,267,714, plus strand): 5'-ATAATAAAAATAGTGAACATAAGACAGAATATAAACCAAAAATGGTAAAATACCTGTTTT[T>G]ATAGATGGAGGTTCTCTTTCTCGATGTTCAGCTTTTTCTAGAGAAAGAAATCAAAATTCA-3'
Protein context (NP_006064.2, residues 582-602): AEHREREPPS[Ile592=]KTDKPKPTPK